The following is an entry in ClinVar:

NM_173551.5(ANKS6):c.433del (p.Ala145fs)

Gene: ANKS6 (ankyrin repeat and sterile alpha motif domain containing 6; minus strand). Cytogenetic location: 9q22.33.
Variant type: Deletion.
Coding change: c.433del on transcript NM_173551.5 (MANE Select); coding-DNA position 433, one base deleted (G; older notation c.433delG).
Protein change: p.Ala145fs; shifts the reading frame from alanine 145.
Molecular consequence: frameshift variant.
Genome position (GRCh38, 1-based): chr9:98,790,533, C deleted on the plus strand (G on the coding strand, the reverse complement: ANKS6 is on the minus strand); the first of 5 consecutive C bases (chr9:98,790,533-98,790,537); deleting any one gives the same sequence. VCF-style (leftmost placement, unchanged base first): chr9-98790532-GC-G. GRCh37 (hg19) VCF-style: chr9-101552814-GC-G.
Other names: short protein forms A145fs.
Identifiers: ClinVar variation 4740223 (VCV004740223.1).

ClinVar aggregate classification (germline): Pathogenic (1 of 4 stars; one submission).

Conditions:
Nephronophthisis 16 (NPHP16). Identifiers: Orphanet 655, MedGen C3809320, MONDO:0014158, OMIM 615382.

Submission:

Labcorp Genetics (formerly Invitae), Labcorp
Classification: Pathogenic for Nephronophthisis 16. Last evaluated: 2025-06-17. Review status: criteria provided, single submitter. Criteria: Invitae Variant Classification Sherloc (09022015). Collection method: clinical testing. Allele origin: germline.
Comment: This sequence change creates a premature translational stop signal (p.Ala145Profs*16) in the ANKS6 gene. It is expected to result in an absent or disrupted protein product. Loss-of-function variants in ANKS6 are known to be pathogenic (PMID: 23793029, 25599650). This variant is present in population databases (no rsID available, gnomAD 0.002%). This variant has not been reported in the literature in individuals affected with ANKS6-related conditions. For these reasons, this variant has been classified as Pathogenic.

Literature cited by the submitters: PubMed 23793029; PubMed 25599650.